The following is an entry in ClinVar:

ClinVar aggregate classification (germline): Uncertain significance. Review status: criteria provided, multiple submitters, no conflicts (2 of 4 stars). 2 submissions from 2 submitters: Uncertain significance (2). Last evaluated 2025-08-15.

Conditions:
Cardiovascular phenotype. Identifiers: MedGen CN230736.

Allele frequency attached by ClinVar (database versions not stated): TOPMed 0.00004; gnomAD 0.00002; gnomAD exomes 0.00003.
gnomAD v4.1: 52 of 1,613,178 alleles (0.0032%); highest among the groups gnomAD compares: Non-Finnish European, 0.0037%; no homozygotes.

Submissions (2):

GeneDx
Classification: Uncertain significance. Last evaluated: 2025-08-15. Review status: criteria provided, single submitter. Criteria: GeneDx Variant Classification Process June 2021. Collection method: clinical testing. Allele origin: germline. Affected: yes.
Comment: Not observed at significant frequency in large population cohorts (gnomAD); In silico analysis suggests that this missense variant does not alter protein structure/function; Has not been previously published as pathogenic or benign to our knowledge

Ambry Genetics
Classification: Uncertain significance for Cardiovascular phenotype. Last evaluated: 2021-12-13. Review status: criteria provided, single submitter. Criteria: Ambry Variant Classification Scheme 2023. Collection method: clinical testing. Allele origin: germline.

NM_004444.5(EPHB4):c.256G>A (p.Val86Met)

Gene: EPHB4 (EPH receptor B4; minus strand). Cytogenetic location: 7q22.1.
Variant type: single nucleotide variant.
Coding change: c.256G>A on transcript NM_004444.5 (MANE Select); coding-DNA position 256, G replaced by A.
Protein change: p.Val86Met; replaces valine 86 with methionine.
Molecular consequence: missense variant.
Genome position (GRCh38, 1-based): chr7:100,823,799, C>T on the plus strand (G>A on the coding strand, the complement: EPHB4 is on the minus strand). VCF-style: chr7-100823799-C-T. GRCh37 (hg19) VCF-style: chr7-100421421-C-T.
Other names: short protein forms V86M.
Identifiers: ClinVar variation 2266677 (VCV002266677.3), dbSNP rs1026318685, ClinGen allele CA163288006.